The following is an entry in ClinVar:

NC_000012.12:g.132473301T>C

Gene: MUC8 (mucin 8; minus strand). Cytogenetic location: 12q24.33.
Variant type: single nucleotide variant.
Genome position: GRCh38 VCF-style: chr12-132473301-T-C. GRCh37 (hg19) VCF-style: chr12-133049887-T-C.
Identifiers: ClinVar variation 4821838 (VCV004821838.4).
Genomic context (GRCh38, chr12:132,473,301, plus strand): 5'-GTTCGTGGACCCGGGTCCCTTCCTGGAGAGGACGTGGGCAGCTCATGAACCCGGGGTCCC[T>C]TCCTGGAGAGGGCGTGGGCAGCTCGTGAACCCGGTGTCCCCTCCTGGAGAGGACGTGGGC-3'

ClinVar aggregate classification (germline): Likely benign (1 of 4 stars; one submission).

Submission:

CeGaT Center for Human Genetics Tuebingen
Classification: Likely benign. Last evaluated: 2026-02-01. Review status: criteria provided, single submitter. Criteria: CeGaT Center For Human Genetics Tuebingen Variant Classification Criteria Version 2. Collection method: clinical testing. Allele origin: germline. Affected: yes. Observed: 1 variant allele.
Comment: MUC8: BS2